The following is an entry in ClinVar:

ClinVar aggregate classification (germline): Uncertain significance. Review status: criteria provided, multiple submitters, no conflicts (2 of 4 stars). 2 submissions from 2 submitters: Uncertain significance (2). Last evaluated 2025-09-14.

Conditions:
Cardiovascular phenotype. Identifiers: MedGen CN230736.
Juvenile myelomonocytic leukemia (JMML). Also called: LEUKEMIA, JUVENILE MYELOMONOCYTIC, SOMATIC. Identifiers: Orphanet 86834, MedGen C0349639, MONDO:0011908, OMIM 607785, HP:0012209.
Metachondromatosis (METCDS). Identifiers: Orphanet 2499, MedGen C0410530, MONDO:0007979, OMIM 156250.
Noonan syndrome 1 (NS1). Also called: FEMALE PSEUDO-TURNER SYNDROME; TURNER PHENOTYPE WITH NORMAL KARYOTYPE; PTPN11-Related Noonan Syndrome. Identifiers: Orphanet 648, MedGen C4551602, MONDO:0008104, OMIM 163950. Disease mechanism: gain of function.
LEOPARD syndrome 1 (LPRD1). Also called: LENTIGINOSIS, CARDIOMYOPATHIC; MULTIPLE LENTIGINES SYNDROME; PTPN11-Related LEOPARD Syndrome. Identifiers: Orphanet 500, MedGen C4551484, MONDO:0100082, OMIM 151100.

gnomAD v4.1: 1 of 1,613,956 alleles (0.000062%); highest among the groups gnomAD compares: Non-Finnish European, 0.000085%; no homozygotes.

Submissions (2):

Ambry Genetics
Classification: Uncertain significance for Cardiovascular phenotype. Last evaluated: 2025-09-14. Review status: criteria provided, single submitter. Criteria: Ambry Variant Classification Scheme 2023. Collection method: clinical testing. Allele origin: germline.
Comment: The p.D556G variant (also known as c.1667A>G), located in coding exon 14 of the PTPN11 gene, results from an A to G substitution at nucleotide position 1667. The aspartic acid at codon 556 is replaced by glycine, an amino acid with similar properties. This amino acid position is conserved. In addition, this alteration is predicted to be tolerated by in silico analysis. Based on the available evidence, the clinical significance of this variant remains unclear.

Department of Pathology and Laboratory Medicine, Sinai Health System
Classification: Uncertain significance for LEOPARD syndrome 1; Metachondromatosis; Noonan syndrome 1; Juvenile myelomonocytic leukemia. Last evaluated: 2022-05-26. Review status: criteria provided, single submitter. Criteria: ACMG Guidelines, 2015. Collection method: research. Allele origin: germline.

NM_002834.5(PTPN11):c.1667A>G (p.Asp556Gly)

Gene: PTPN11 (protein tyrosine phosphatase non-receptor type 11; plus strand). Cytogenetic location: 12q24.13.
Variant type: single nucleotide variant.
Coding change: c.1667A>G on transcript NM_002834.5 (MANE Select); coding-DNA position 1667, A replaced by G.
Protein change: p.Asp556Gly; replaces aspartic acid 556 with glycine.
Molecular consequence: missense variant.
Genome position (GRCh38, 1-based): chr12:112,502,211, A>G. VCF-style: chr12-112502211-A-G. GRCh37 (hg19) VCF-style: chr12-112940015-A-G.
Other names: c.1679A>G, p.Asp560Gly (NM_001330437.2); c.1664A>G, p.Asp555Gly (NM_001374625.1); short protein forms D555G, D556G, D560G.
Identifiers: ClinVar variation 3892217 (VCV003892217.2).